The following is an entry in ClinVar:

ClinVar aggregate classification (germline): Likely pathogenic (1 of 4 stars; one submission).

Conditions:
Marfan syndrome (MFS). Also called: FBN1-Related Marfan Syndrome; MARFAN SYNDROME, TYPE I; Marfan syndrome type 1; Marfan's syndrome; Marfan syndrome, classic. Identifiers: Orphanet 284963, Orphanet 558, MedGen C0024796, MONDO:0007947, OMIM 154700.
Familial thoracic aortic aneurysm and aortic dissection (TAAD). Also called: Thoracic aortic aneurysms and dissections. Identifiers: Orphanet 91387, MedGen C4707243, MONDO:0019625.

Submission:

Labcorp Genetics (formerly Invitae), Labcorp
Classification: Likely pathogenic for Marfan syndrome; Familial thoracic aortic aneurysm and aortic dissection. Last evaluated: 2026-01-24. Review status: criteria provided, single submitter. Criteria: Invitae Variant Classification Sherloc (09022015). Collection method: clinical testing. Allele origin: germline.
Comment: This sequence change replaces cysteine, which is neutral and slightly polar, with phenylalanine, which is neutral and non-polar, at codon 2276 of the FBN1 protein (p.Cys2276Phe). This variant is not present in population databases (gnomAD no frequency). This variant has not been reported in the literature in individuals affected with FBN1-related conditions. Invitae Evidence Modeling of protein sequence and biophysical properties (such as structural, functional, and spatial information, amino acid conservation, physicochemical variation, residue mobility, and thermodynamic stability) indicates that this missense variant is expected to disrupt FBN1 protein function with a positive predictive value of 95%. This variant affects a cysteine residue in the EGF-like, TGFBP or hybrid motif domains of FBN1. Cysteine residues are believed to be involved in intramolecular disulfide bridges and have been shown to be important for FBN1 protein structure (PMID: 16905551, 19349279). In addition, missense substitutions affecting cysteine residues within these domains are significantly overrepresented among patients with Marfan syndrome (PMID: 16571647, 17701892). This variant disrupts the p.Cys2276 amino acid residue in FBN1. Other variant(s) that disrupt this residue have been observed in individuals with FBN1-related conditions (PMID: 19659760, 31730815), which suggests that this may be a clinically significant amino acid residue. In summary, the currently available evidence indicates that the variant is pathogenic, but additional data are needed to prove that conclusively. Therefore, this variant has been classified as Likely Pathogenic.

Literature cited by the submitters: PubMed 16905551; PubMed 19349279; PubMed 16571647; PubMed 17701892; PubMed 19659760; PubMed 31730815.

NM_000138.5(FBN1):c.6827G>T (p.Cys2276Phe)

Gene: FBN1 (fibrillin 1; minus strand). Cytogenetic location: 15q21.1.
Variant type: single nucleotide variant.
Coding change: c.6827G>T on transcript NM_000138.5 (MANE Select); coding-DNA position 6827, G replaced by T.
Protein change: p.Cys2276Phe; replaces cysteine 2276 with phenylalanine.
Molecular consequence: missense variant.
Genome position (GRCh38, 1-based): chr15:48,430,715, C>A on the plus strand (G>T on the coding strand, the complement: FBN1 is on the minus strand). VCF-style: chr15-48430715-C-A. GRCh37 (hg19) VCF-style: chr15-48722912-C-A.
Other names: c.6827G>T, p.Cys2276Phe (NM_001406716.1); short protein forms C2276F.
Identifiers: ClinVar variation 4794669 (VCV004794669.1).
Genomic context (GRCh38, chr15:48,430,715, plus strand): 5'-ACAGGGATCCTCTTACCTACACAGCCTTCTCCATCAGGTCTCCGCTGATACCCGGGTCCA[C>A]AGATGCACATATATGTGCCAATGAGGTTCTTGCATTCCATTTGTTTTTCAGTACAGTCAT-3'
Protein context (NP_000129.3, residues 2266-2286): KNLIGTYMCI[Cys2276Phe]GPGYQRRPDG